The following is an entry in ClinVar:

NC_000002.11:g.(?_50750595)_(50765696_?)del

Gene: NRXN1 (neurexin 1; minus strand). Cytogenetic location: 2p16.3.
Variant type: Deletion.
Identifiers: ClinVar variation 1503370 (VCV001503370.5).

ClinVar aggregate classification (germline): Likely pathogenic (1 of 4 stars; one submission).

Conditions:
Pitt-Hopkins-like syndrome 2 (PTHSL2). Identifiers: Orphanet 221150, Orphanet 600663, MedGen C3280479, MONDO:0013690, OMIM 614325.

Submission:

Labcorp Genetics (formerly Invitae), Labcorp
Classification: Likely pathogenic for Pitt-Hopkins-like syndrome 2. Last evaluated: 2022-11-07. Review status: criteria provided, single submitter. Criteria: Invitae Variant Classification Sherloc (09022015). Collection method: clinical testing. Allele origin: germline.
Comment: In summary, the currently available evidence indicates that the variant is pathogenic, but additional data are needed to prove that conclusively. Therefore, this variant has been classified as Likely Pathogenic. This variant has not been reported in the literature in individuals affected with NRXN1-related conditions. This variant results in the deletion of exons 12-13 and part of exon 11 (c.1958_2494+5168del) of the NRXN1 gene. It is expected to disrupt RNA splicing. Variants that disrupt the donor or acceptor splice site typically lead to a loss of protein function (PMID: 16199547), and loss-of-function variants in NRXN1 are known to be pathogenic (PMID: 19896112, 21964664, 23495017, 23533028, 25149956, 30031152).

Literature cited by the submitters: PubMed 16199547; PubMed 19896112; PubMed 21964664; PubMed 23495017; PubMed 23533028; PubMed 25149956; PubMed 30031152.